The following is an entry in ClinVar:

NM_001128178.3(NPHP1):c.1725G>A (p.Trp575Ter)

Gene: NPHP1 (nephrocystin 1; minus strand). Cytogenetic location: 2q13.
Variant type: single nucleotide variant.
Coding change: c.1725G>A on transcript NM_001128178.3 (MANE Select); coding-DNA position 1725, G replaced by A.
Protein change: p.Trp575Ter; replaces tryptophan 575 with a stop codon.
Molecular consequence: nonsense.
Genome position (GRCh38, 1-based): chr2:110,125,673, C>T on the plus strand (G>A on the coding strand, the complement: NPHP1 is on the minus strand). VCF-style: chr2-110125673-C-T. GRCh37 (hg19) VCF-style: chr2-110883250-C-T.
Other names: c.1893G>A, p.Trp631Ter (NM_000272.5); c.1536G>A, p.Trp512Ter (NM_001128179.3); c.1722G>A, p.Trp574Ter (NM_001374256.1); c.1725G>A, p.Trp575Ter (NM_001374257.1); c.1890G>A, p.Trp630Ter (NM_207181.4); short protein forms W512*, W574*, W631*, W575*, W630*.
Identifiers: ClinVar variation 961075 (VCV000961075.10), dbSNP rs1679301117, ClinGen allele CA348086728.

ClinVar aggregate classification (germline): Pathogenic/Likely pathogenic. Review status: criteria provided, multiple submitters, no conflicts (2 of 4 stars). 2 submissions from 2 submitters: Pathogenic (1); Likely pathogenic (1). Last evaluated 2023-10-22.

Conditions:
Nephronophthisis. Also called: Juvenile Nephronophthisis. Identifiers: Orphanet 655, MedGen C0687120, MONDO:0019005, HP:0000090.
NPHP1-related disorder. Also called: NPHP1-related disorders; NPHP1-related condition.

Submissions (2):

Labcorp Genetics (formerly Invitae), Labcorp
Classification: Pathogenic for Nephronophthisis. Last evaluated: 2023-10-22. Review status: criteria provided, single submitter. Criteria: Invitae Variant Classification Sherloc (09022015). Collection method: clinical testing. Allele origin: germline.
Comment: This sequence change creates a premature translational stop signal (p.Trp631*) in the NPHP1 gene. While this is not anticipated to result in nonsense mediated decay, it is expected to disrupt the last 103 amino acid(s) of the NPHP1 protein. This variant is not present in population databases (gnomAD no frequency). This variant has not been reported in the literature in individuals affected with NPHP1-related conditions. ClinVar contains an entry for this variant (Variation ID: 961075). This variant disrupts a region of the NPHP1 protein in which other variant(s) (p.Trp685*) have been determined to be pathogenic (PMID: 23559409; Invitae). This suggests that this is a clinically significant region of the protein, and that variants that disrupt it are likely to be disease-causing. For these reasons, this variant has been classified as Pathogenic.

Blueprint Genetics
Classification: Likely pathogenic for NPHP1-related disorders. Last evaluated: 2022-04-25. Review status: criteria provided, single submitter. Criteria: ACMG Guidelines, 2015. Collection method: clinical testing. Allele origin: germline. Affected: yes. Observed: 1 variant allele.

Literature cited by the submitters: PubMed 23559409 (cited by Labcorp Genetics (formerly Invitae), Labcorp).